The following is an entry in ClinVar:

NM_002224.4(ITPR3):c.6126G>A (p.Ser2042=)

Gene: ITPR3 (inositol 1,4,5-trisphosphate receptor type 3; plus strand). Cytogenetic location: 6p21.31.
Variant type: single nucleotide variant.
Coding change: c.6126G>A on transcript NM_002224.4 (MANE Select); coding-DNA position 6126, G replaced by A.
Protein change: p.Ser2042=; no amino-acid change (serine 2042 retained).
Molecular consequence: synonymous variant.
Genome position (GRCh38, 1-based): chr6:33,687,276, G>A. VCF-style: chr6-33687276-G-A. GRCh37 (hg19) VCF-style: chr6-33655053-G-A.
Identifiers: ClinVar variation 2656501 (VCV002656501.24), dbSNP rs778571725, ClinGen allele CA3761783.

ClinVar aggregate classification (germline): Likely benign (1 of 4 stars; one submission).

Allele frequency attached by ClinVar (database versions not stated): gnomAD 0.00001; gnomAD exomes 0.00001; TOPMed 0.00001; ExAC 0.00003.
gnomAD v4.1: 23 of 1,613,708 alleles (0.0014%); highest among the groups gnomAD compares: Admixed American, 0.0033%; no homozygotes.

Submission:

CeGaT Center for Human Genetics Tuebingen
Classification: Likely benign. Last evaluated: 2022-10-01. Review status: criteria provided, single submitter. Criteria: CeGaT Center For Human Genetics Tuebingen Variant Classification Criteria Version 2. Collection method: clinical testing. Allele origin: germline. Affected: yes. Observed: 1 variant allele.
Comment: ITPR3: BP4, BP7